The following is an entry in ClinVar:

ClinVar aggregate classification (germline): Pathogenic (1 of 4 stars; one submission).

Allele frequency attached by ClinVar (database versions not stated): TOPMed 0.00002.
gnomAD v4.1: 4 of 1,598,230 alleles (0.00025%); highest among the groups gnomAD compares: African/African-American, 0.0054%; no homozygotes.

Submission:

Labcorp Genetics (formerly Invitae), Labcorp
Classification: Pathogenic. Last evaluated: 2023-01-31. Review status: criteria provided, single submitter. Criteria: Invitae Variant Classification Sherloc (09022015). Collection method: clinical testing. Allele origin: germline.
Comment: For these reasons, this variant has been classified as Pathogenic. This variant is not present in population databases (gnomAD no frequency). This missense change has been observed in individual(s) with clinical features of hypomyelination with brain stem and spinal cord involvement and leg spasticity (PMID: 35571067). It has also been observed to segregate with disease in related individuals. This sequence change replaces alanine, which is neutral and non-polar, with glycine, which is neutral and non-polar, at codon 274 of the DARS protein (p.Ala274Gly). Advanced modeling of protein sequence and biophysical properties (such as structural, functional, and spatial information, amino acid conservation, physicochemical variation, residue mobility, and thermodynamic stability) performed at Invitae indicates that this missense variant is expected to disrupt DARS protein function.

Literature cited by the submitters: PubMed 35571067.

NM_001349.4(DARS1):c.821C>G (p.Ala274Gly)

Gene: DARS1 (aspartyl-tRNA synthetase 1; minus strand). Cytogenetic location: 2q21.3.
Variant type: single nucleotide variant.
Coding change: c.821C>G on transcript NM_001349.4 (MANE Select); coding-DNA position 821, C replaced by G.
Protein change: p.Ala274Gly; replaces alanine 274 with glycine.
Molecular consequence: missense variant.
Genome position (GRCh38, 1-based): chr2:135,920,591, G>C on the plus strand (C>G on the coding strand, the complement: DARS1 is on the minus strand). VCF-style: chr2-135920591-G-C. GRCh37 (hg19) VCF-style: chr2-136678161-G-C.
Other names: c.521C>G, p.Ala174Gly (NM_001293312.1); short protein forms A174G, A274G.
Identifiers: ClinVar variation 2988443 (VCV002988443.3), dbSNP rs369152939, ClinGen allele CA56842322.
Genomic context (GRCh38, chr2:135,920,591, plus strand): 5'-GCCATTTCAATGTCCAAACCAACAAACTCAGTTAGATGTCTATGGGTATTAGAGTCTTCC[G>C]CTCTGAATACTGTGAAGTTAATAAAAGAAATAGAGAGCAAACACTGATTTCAATTTTGGA-3'
Protein context (NP_001340.2, residues 264-284): KVFSIGPVFR[Ala274Gly]EDSNTHRHLT